The following is an entry in ClinVar:

ClinVar aggregate classification (germline): Uncertain significance (1 of 4 stars; one submission).

Allele frequency attached by ClinVar (database versions not stated): gnomAD exomes below 0.00001; gnomAD 0.00001.
gnomAD v4.1: 2 of 1,210,332 alleles (0.00017%); highest among the groups gnomAD compares: African/African-American, 0.0035%; no homozygotes.

Submission:

Labcorp Genetics (formerly Invitae), Labcorp
Classification: Uncertain significance. Last evaluated: 2023-10-22. Review status: criteria provided, single submitter. Criteria: Invitae Variant Classification Sherloc (09022015). Collection method: clinical testing. Allele origin: germline.
Comment: This sequence change replaces isoleucine, which is neutral and non-polar, with methionine, which is neutral and non-polar, at codon 174 of the TLR7 protein (p.Ile174Met). This variant is present in population databases (no rsID available, gnomAD 0.01%). This variant has not been reported in the literature in individuals affected with TLR7-related conditions. An algorithm developed to predict the effect of missense changes on protein structure and function (PolyPhen-2) suggests that this variant is likely to be disruptive. In summary, the available evidence is currently insufficient to determine the role of this variant in disease. Therefore, it has been classified as a Variant of Uncertain Significance.

NM_016562.4(TLR7):c.522A>G (p.Ile174Met)

Gene: TLR7 (toll like receptor 7; plus strand). Cytogenetic location: Xp22.2.
Variant type: single nucleotide variant.
Coding change: c.522A>G on transcript NM_016562.4 (MANE Select); coding-DNA position 522, A replaced by G.
Protein change: p.Ile174Met; replaces isoleucine 174 with methionine.
Molecular consequence: missense variant.
Genome position (GRCh38, 1-based): chrX:12,886,030, A>G. VCF-style: chrX-12886030-A-G. GRCh37 (hg19) VCF-style: chrX-12904149-A-G.
Other names: short protein forms I174M.
Identifiers: ClinVar variation 2770736 (VCV002770736.3), dbSNP rs1383034148, ClinGen allele CA412405014.
Genomic context (GRCh38, chrX:12,886,030, plus strand): 5'-CCTTGAGGCCAACAACATCTTTTCCATCAGAAAAGAGAATCTAACAGAACTGGCCAACAT[A>G]GAAATACTCTACCTGGGCCAAAACTGTTATTATCGAAATCCTTGTTATGTTTCATATTCA-3'
Protein context (NP_057646.1, residues 164-184): RKENLTELAN[Ile174Met]EILYLGQNCY